The following is an entry in ClinVar:

ClinVar aggregate classification (germline): Conflicting classifications of pathogenicity. Review status: criteria provided, conflicting classifications (1 of 4 stars). 2 submissions from 2 submitters: Uncertain significance (1); Likely benign (1). Last evaluated 2024-10-23.

Conditions:
Neuropathy, hereditary sensory, type 2C. Also called: Hereditary sensory and autonomic neuropathy type IIC; KIF1A-Related HSAN2 (HSAN2C). Identifiers: Orphanet 970, MedGen C3280168, MONDO:0013634, OMIM 614213.
Intellectual disability, autosomal dominant 9 (NESCAVS). Also called: KIF1A-Related Neurodevelopmental Disorder; NESCAV SYNDROME. Identifiers: Orphanet 662367, MedGen C5393830, MONDO:0013656, OMIM 614255.
Hereditary spastic paraplegia 30. Identifiers: Orphanet 101010, MedGen C5235139, MONDO:0012476.

Allele frequency attached by ClinVar (database versions not stated): TOPMed 0.00001.
gnomAD v4.1: 7 of 1,599,922 alleles (0.00044%); highest among the groups gnomAD compares: East Asian, 0.0022%; no homozygotes.

Submissions (2):

Labcorp Genetics (formerly Invitae), Labcorp
Classification: Likely benign for Hereditary spastic paraplegia 30; Neuropathy, hereditary sensory, type 2C; Intellectual disability, autosomal dominant 9. Last evaluated: 2024-10-23. Review status: criteria provided, single submitter. Criteria: Invitae Variant Classification Sherloc (09022015). Collection method: clinical testing. Allele origin: germline.

GeneDx
Classification: Uncertain significance. Last evaluated: 2022-12-16. Review status: criteria provided, single submitter. Criteria: GeneDx Variant Classification Process June 2021. Collection method: clinical testing. Allele origin: germline. Affected: yes.
Comment: Has not been previously published as pathogenic or benign to our knowledge; In silico analysis suggests this variant may impact gene splicing. In the absence of RNA/functional studies, the actual effect of this sequence change is unknown.

NM_001244008.2(KIF1A):c.883-5C>G

Gene: KIF1A (kinesin family member 1A; minus strand). Cytogenetic location: 2q37.3.
Variant type: single nucleotide variant.
Coding change: c.883-5C>G on transcript NM_001244008.2 (MANE Select); 5 bases into the intron before coding-DNA position 883, C replaced by G.
Molecular consequence: intron variant.
Genome position (GRCh38, 1-based): chr2:240,775,931, G>C on the plus strand (C>G on the coding strand, the complement: KIF1A is on the minus strand). VCF-style: chr2-240775931-G-C. GRCh37 (hg19) VCF-style: chr2-241715348-G-C.
Other names: c.883-5C>G (NM_001379653.1, NM_001379650.1, NM_001379645.1 and 20 more transcripts).
Identifiers: ClinVar variation 1026761 (VCV001026761.9), dbSNP rs201408083, ClinGen allele CA2208598.